The following is an entry in ClinVar:

NM_002900.3(RBP3):c.2090A>G (p.His697Arg)

Gene: RBP3 (retinol binding protein 3; plus strand). Cytogenetic location: 10q11.22.
Variant type: single nucleotide variant.
Coding change: c.2090A>G on transcript NM_002900.3 (MANE Select); coding-DNA position 2090, A replaced by G.
Protein change: p.His697Arg; replaces histidine 697 with arginine.
Molecular consequence: missense variant.
Genome position (GRCh38, 1-based): chr10:47,350,574, A>G. VCF-style: chr10-47350574-A-G. GRCh37 (hg19) VCF-style: chr10-48388788-T-C.
Other names: short protein forms H697R.
Identifiers: ClinVar variation 4538679 (VCV004538679.1).

ClinVar aggregate classification (germline): Uncertain significance (1 of 4 stars; one submission).

Submission:

GeneDx
Classification: Uncertain significance. Last evaluated: 2025-06-20. Review status: criteria provided, single submitter. Criteria: GeneDx Variant Classification Process June 2021. Collection method: clinical testing. Allele origin: germline. Affected: yes.
Comment: Not observed at significant frequency in large population cohorts (gnomAD); In silico analysis does not support a benign or deleterious effect of this variant on protein structure/function; Has not been previously published as pathogenic or benign to our knowledge